The following is an entry in ClinVar:

NM_005632.3(CAPN15):c.2352C>T (p.Phe784=)

Gene: CAPN15 (calpain 15; plus strand). Cytogenetic location: 16p13.3.
Variant type: single nucleotide variant.
Coding change: c.2352C>T on transcript NM_005632.3 (MANE Select); coding-DNA position 2352, C replaced by T.
Protein change: p.Phe784=; no amino-acid change (phenylalanine 784 retained).
Molecular consequence: synonymous variant.
Genome position (GRCh38, 1-based): chr16:552,057, C>T. VCF-style: chr16-552057-C-T. GRCh37 (hg19) VCF-style: chr16-602057-C-T.
Other names: c.2352C>T (NM_005632.2).
Identifiers: ClinVar variation 2645811 (VCV002645811.26), dbSNP rs147299088, ClinGen allele CA7778734.
Genomic context (GRCh38, chr16:552,057, plus strand): 5'-CACGGAGGTGTGGGCCGTGGTAGGCTCAGGGCCCCGTCCTCCCGCCACCTGCAGGTACTT[C>T]GACTCCGTGGACATCTGTAAGGTGCACTCGGACTGGCAGGAGGCGCGGGTGCAGGGCTGC-3'
Protein context (NP_005623.1, residues 774-794): WMEYGDFVRY[Phe784=]DSVDICKVHS

ClinVar aggregate classification (germline): Likely benign. Review status: criteria provided, multiple submitters, no conflicts (2 of 4 stars). 3 submissions from 3 submitters: Likely benign (2). 1 of the submissions does not count toward it. Last evaluated 2026-09-01.

Conditions:
CAPN15-related disorder. Also called: CAPN15-related condition.

Allele frequency attached by ClinVar (database versions not stated): gnomAD 0.00093; TOPMed 0.00096; gnomAD exomes 0.00107; ESP Exome Variant Server 0.00033; 1000 Genomes Project 0.00040; 1000 Genomes Project 30x 0.00047; ExAC 0.00074.
gnomAD v4.1: 1,618 of 1,548,520 alleles (0.1%); highest among the groups gnomAD compares: Non-Finnish European, 0.12%; 1 homozygote.

Submissions (3):

CeGaT Center for Human Genetics Tuebingen
Classification: Likely benign. Last evaluated: 2026-09-01. Review status: criteria provided, single submitter. Criteria: CeGaT Center For Human Genetics Tuebingen Variant Classification Criteria Version 2. Collection method: clinical testing. Allele origin: germline. Affected: yes. Observed: 8 variant alleles.
Comment: CAPN15: BP4, BP7

Blueprint Genetics
Classification: Likely benign. Last evaluated: 2024-11-04. Review status: criteria provided, single submitter. Criteria: ACMG Guidelines, 2015. Collection method: clinical testing. Allele origin: germline.

PreventionGenetics, part of Exact Sciences
Classification: Likely benign for CAPN15-related condition. Last evaluated: 2019-10-28. Review status: no assertion criteria provided. Collection method: clinical testing. Allele origin: germline. Not counted in ClinVar's aggregate classification.
Comment: This variant is classified as likely benign based on ACMG/AMP sequence variant interpretation guidelines (Richards et al. 2015 PMID: 25741868, with internal and published modifications).